The following is an entry in ClinVar:

NM_004360.5(CDH1):c.2620G>T (p.Asp874Tyr)

Gene: CDH1 (cadherin 1; plus strand). Cytogenetic location: 16q22.1.
Variant type: single nucleotide variant.
Coding change: c.2620G>T on transcript NM_004360.5 (MANE Select); coding-DNA position 2620, G replaced by T.
Protein change: p.Asp874Tyr; replaces aspartic acid 874 with tyrosine.
Molecular consequence: missense variant.
Genome position (GRCh38, 1-based): chr16:68,833,470, G>T. VCF-style: chr16-68833470-G-T. GRCh37 (hg19) VCF-style: chr16-68867373-G-T.
Other names: c.2437G>T, p.Asp813Tyr (NM_001317184.2); c.1072G>T, p.Asp358Tyr (NM_001317185.2); c.655G>T, p.Asp219Tyr (NM_001317186.2); short protein forms D874Y, D358Y, D219Y, D813Y.
Identifiers: ClinVar variation 5033930 (VCV005033930.1).
Genomic context (GRCh38, chr16:68,833,470, plus strand): 5'-GACAAAGACCAGGACTATGACTACTTGAACGAATGGGGCAATCGCTTCAAGAAGCTGGCT[G>T]ACATGTACGGAGGCGGCGAGGACGACTAGGGGACTCGAGAGAGGCGGGCCCCAGACCCAT-3'
Protein context (NP_004351.1, residues 864-882): EWGNRFKKLA[Asp874Tyr]MYGGGEDD

ClinVar aggregate classification (germline): Uncertain significance (1 of 4 stars; one submission).

Conditions:
Hereditary cancer-predisposing syndrome. Also called: Neoplastic Syndromes, Hereditary; Tumor predisposition; Hereditary neoplastic syndrome; Hereditary Cancer Syndrome. Identifiers: Orphanet 140162, MedGen C0027672, MeSH D009386, MONDO:0015356.

Submission:

Ambry Genetics
Classification: Uncertain significance for Hereditary cancer-predisposing syndrome. Last evaluated: 2026-07-06. Review status: criteria provided, single submitter. Criteria: Ambry Variant Classification Scheme 2023. Collection method: clinical testing. Allele origin: germline.
Comment: The p.D874Y variant (also known as c.2620G>T), located in coding exon 16 of the CDH1 gene, results from a G to T substitution at nucleotide position 2620. The aspartic acid at codon 874 is replaced by tyrosine, an amino acid with highly dissimilar properties. This amino acid position is conserved. In addition, this alteration is predicted to be deleterious by in silico analysis. Based on the available evidence, the clinical significance of this variant remains unclear.